The following is an entry in ClinVar:

NM_004415.4(DSP):c.8309A>G (p.Tyr2770Cys)

Gene: DSP (desmoplakin; plus strand). Cytogenetic location: 6p24.3.
Variant type: single nucleotide variant.
Coding change: c.8309A>G on transcript NM_004415.4 (MANE Select); coding-DNA position 8309, A replaced by G.
Protein change: p.Tyr2770Cys; replaces tyrosine 2770 with cysteine.
Molecular consequence: missense variant.
Genome position (GRCh38, 1-based): chr6:7,585,571, A>G. VCF-style: chr6-7585571-A-G. GRCh37 (hg19) VCF-style: chr6-7585804-A-G.
Other names: c.6512A>G, p.Tyr2171Cys (NM_001008844.3); c.6980A>G, p.Tyr2327Cys (NM_001319034.2); c.8309A>G (LRG_423t1); short protein forms Y2770C, Y2327C, Y2171C.
Identifiers: ClinVar variation 520442 (VCV000520442.24), dbSNP rs371020228, ClinGen allele CA052047.
Genomic context (GRCh38, chr6:7,585,571, plus strand): 5'-CCATCCGGAAGGGGTTCATAGATGGCCGCGCCGCACAGAGGCTGCAAGACACCAGCAGCT[A>G]TGCCAAAATCCTGACCTGCCCCAAAACCAAATTAAAAATATCCTATAAGGATGCCATAAA-3'
Protein context (NP_004406.2, residues 2760-2780): AAQRLQDTSS[Tyr2770Cys]AKILTCPKTK

ClinVar aggregate classification (germline): Conflicting classifications of pathogenicity. Review status: criteria provided, conflicting classifications (1 of 4 stars). 6 submissions from 6 submitters: Uncertain significance (5); Likely benign (1). Last evaluated 2025-12-31.

Conditions:
Cardiovascular phenotype. Identifiers: MedGen CN230736.
Arrhythmogenic right ventricular dysplasia 8 (ARVD8). Also called: Arrhythmogenic Right Ventricular Dysplasia/Cardiomyopathy 8; ARRHYTHMOGENIC RIGHT VENTRICULAR DYSPLASIA, FAMILIAL, 8; ARRHYTHMOGENIC RIGHT VENTRICULAR CARDIOMYOPATHY 8. Identifiers: MedGen C1843896, MONDO:0011831, OMIM 607450.
Arrhythmogenic cardiomyopathy with wooly hair and keratoderma. Also called: PALMOPLANTAR KERATODERMA WITH LEFT VENTRICULAR CARDIOMYOPATHY AND WOOLLY HAIR; Carvajal syndrome; Dilated cardiomyopathy with woolly hair and keratoderma; Arrhythmogenic cardiomyopathy with woolly hair and keratoderma. Identifiers: Orphanet 65282, MedGen C1854063, MONDO:0011581, OMIM 605676.
Cardiomyopathy (CMYO). Also called: Cardiomyopathies. Identifiers: Orphanet 167848, MedGen C0878544, MONDO:0004994, HP:0001638. Inheritance: Various modes of inheritance.

Allele frequency attached by ClinVar (database versions not stated): gnomAD 0.00001; gnomAD exomes 0.00002; TOPMed 0.00002; ExAC 0.00003; ESP Exome Variant Server 0.00008.
gnomAD v4.1: 34 of 1,614,092 alleles (0.0021%); highest among the groups gnomAD compares: Non-Finnish European, 0.0024%; no homozygotes.

Submissions (6):

GeneDx
Classification: Uncertain significance. Last evaluated: 2025-12-31. Review status: criteria provided, single submitter. Criteria: GeneDx Variant Classification Process June 2021. Collection method: clinical testing. Allele origin: germline. Affected: yes.
Comment: Observed in an individual with ARVC in the published literature (PMID: 27532257); Not observed at significant frequency in large population cohorts (gnomAD); In silico analysis supports that this missense variant has a deleterious effect on protein structure/function; This variant is associated with the following publications: (PMID: 31402444, 27532257)

Labcorp Genetics (formerly Invitae), Labcorp
Classification: Likely benign for Arrhythmogenic cardiomyopathy with wooly hair and keratoderma; Arrhythmogenic right ventricular dysplasia 8. Last evaluated: 2025-12-20. Review status: criteria provided, single submitter. Criteria: Invitae Variant Classification Sherloc (09022015). Collection method: clinical testing. Allele origin: germline.

Molecular Diagnostic Laboratory for Inherited Cardiovascular Disease, Montreal Heart Institute
Classification: Uncertain significance for Cardiovascular phenotype. Last evaluated: 2025-02-17. Review status: criteria provided, single submitter. Criteria: ACMG Guidelines, 2015. Collection method: clinical testing. Allele origin: germline. Affected: yes.

Ambry Genetics
Classification: Uncertain significance for Cardiovascular phenotype. Last evaluated: 2024-11-26. Review status: criteria provided, single submitter. Criteria: Ambry Variant Classification Scheme 2023. Collection method: clinical testing. Allele origin: germline.
Comment: The p.Y2770C variant (also known as c.8309A>G), located in coding exon 24 of the DSP gene, results from an A to G substitution at nucleotide position 8309. The tyrosine at codon 2770 is replaced by cysteine, an amino acid with highly dissimilar properties. This variant was reported in individual(s) with features consistent with arrhythmogenic right ventricular cardiomyopathy (ARVC) (Walsh R et al. Genet. Med., 2017 02;19:192-203; Gasperetti A et al. JACC Adv. 2024 Mar;3(3):100832). This amino acid position is well conserved in available vertebrate species. In addition, this alteration is predicted to be deleterious by in silico analysis. Since supporting evidence is limited at this time, the clinical significance of this alteration remains unclear.

Blueprint Genetics
Classification: Uncertain significance. Last evaluated: 2024-05-27. Review status: criteria provided, single submitter. Criteria: ACMG Guidelines, 2015. Collection method: clinical testing. Allele origin: germline.

Color Diagnostics, LLC DBA Color Health
Classification: Uncertain significance for Cardiomyopathy. Last evaluated: 2024-05-23. Review status: criteria provided, single submitter. Criteria: ACMG Guidelines, 2015. Collection method: clinical testing. Allele origin: germline.
Comment: This missense variant replaces tyrosine with cysteine at codon 2770 of the DSP protein. Computational prediction is inconclusive regarding the impact of this variant on protein structure and function. To our knowledge, functional studies have not been reported for this variant. This variant has been reported in an individual affected with arrhythmogenic right ventricular cardiomyopathy (PMID: 27532257). This variant has been identified in 5/251412 chromosomes in the general population by the Genome Aggregation Database (gnomAD). The available evidence is insufficient to determine the role of this variant in disease conclusively. Therefore, this variant is classified as a Variant of Uncertain Significance.

Literature cited by the submitters: PubMed 27532257 (cited by Ambry Genetics and Color Diagnostics, LLC DBA Color Health); PubMed 38938828 (cited by Ambry Genetics).